The following is an entry in ClinVar:

ClinVar aggregate classification (germline): Uncertain significance. Review status: criteria provided, multiple submitters, no conflicts (2 of 4 stars). 2 submissions from 2 submitters: Uncertain significance (2). Last evaluated 2025-10-28.

Submissions (2):

Ambry Genetics
Classification: Uncertain significance. Last evaluated: 2025-10-28. Review status: criteria provided, single submitter. Criteria: Ambry Variant Classification Scheme 2023. Collection method: clinical testing. Allele origin: germline.

Women's Health and Genetics/Laboratory Corporation of America, LabCorp
Classification: Uncertain significance. Last evaluated: 2025-03-24. Review status: criteria provided, single submitter. Criteria: LabCorp Variant Classification Summary - May 2015. Collection method: clinical testing. Allele origin: germline.
Comment: Variant summary: IYD c.557A>G (p.Asp186Gly) results in a non-conservative amino acid change in the encoded protein sequence. Three of five in-silico tools predict a damaging effect of the variant on protein function. The variant was absent in 251402 control chromosomes. The available data on variant occurrences in the general population are insufficient to allow any conclusion about variant significance. To our knowledge, no occurrence of c.557A>G in individuals affected with Iodotyrosine deiodination defect and no experimental evidence demonstrating its impact on protein function have been reported. No submitters have cited clinical-significance assessments for this variant to ClinVar. Based on the evidence outlined above, the variant was classified as uncertain significance.

NM_203395.3(IYD):c.557A>G (p.Asp186Gly)

Gene: IYD (iodotyrosine deiodinase; plus strand). Cytogenetic location: 6q25.1.
Variant type: single nucleotide variant.
Coding change: c.557A>G on transcript NM_203395.3 (MANE Select); coding-DNA position 557, A replaced by G.
Protein change: p.Asp186Gly; replaces aspartic acid 186 with glycine.
Molecular consequence: missense variant. On other transcripts: non-coding transcript variant (1).
Genome position (GRCh38, 1-based): chr6:150,394,125, A>G. VCF-style: chr6-150394125-A-G. GRCh37 (hg19) VCF-style: chr6-150715261-A-G.
Other names: c.557A>G, p.Asp186Gly (NM_001164694.2, NM_001164695.2); c.311A>G, p.Asp104Gly (NM_001318495.2); c.557A>G (NM_203395.2); short protein forms D104G, D186G.
Identifiers: ClinVar variation 3895992 (VCV003895992.2).